The following is an entry in ClinVar:

NM_022051.3(EGLN1):c.520A>T (p.Ser174Cys)

Gene: EGLN1 (egl-9 family hypoxia inducible factor 1; minus strand). Cytogenetic location: 1q42.2.
Variant type: single nucleotide variant.
Coding change: c.520A>T on transcript NM_022051.3 (MANE Select); coding-DNA position 520, A replaced by T.
Protein change: p.Ser174Cys; replaces serine 174 with cysteine.
Molecular consequence: missense variant.
Genome position (GRCh38, 1-based): chr1:231,421,369, T>A on the plus strand (A>T on the coding strand, the complement: EGLN1 is on the minus strand). VCF-style: chr1-231421369-T-A. GRCh37 (hg19) VCF-style: chr1-231557115-T-A.
Other names: c.520A>T, p.Ser174Cys (NM_001377260.1, NM_001377261.1); short protein forms S174C.
Identifiers: ClinVar variation 1746083 (VCV001746083.7), dbSNP rs2527359699, ClinGen allele CA345236742.

ClinVar aggregate classification (germline): Uncertain significance. Review status: criteria provided, multiple submitters, no conflicts (2 of 4 stars). 2 submissions from 2 submitters: Uncertain significance (2). Last evaluated 2024-03-16.

Conditions:
Erythrocytosis, familial, 3 (ECYT3). Identifiers: Orphanet 247511, MedGen C1853286, MONDO:0012353, OMIM 609820.

Submissions (2):

Ambry Genetics
Classification: Uncertain significance. Last evaluated: 2024-03-16. Review status: criteria provided, single submitter. Criteria: Ambry Variant Classification Scheme 2023. Collection method: clinical testing. Allele origin: germline.
Comment: The p.S174C variant (also known as c.520A>T), located in coding exon 1 of the EGLN1 gene, results from an A to T substitution at nucleotide position 520. The serine at codon 174 is replaced by cysteine, an amino acid with dissimilar properties. This amino acid position is conserved. In addition, this alteration is predicted to be tolerated by in silico analysis. Since supporting evidence is limited at this time, the clinical significance of this alteration remains unclear.

Labcorp Genetics (formerly Invitae), Labcorp
Classification: Uncertain significance for Erythrocytosis, familial, 3. Last evaluated: 2022-07-15. Review status: criteria provided, single submitter. Criteria: Invitae Variant Classification Sherloc (09022015). Collection method: clinical testing. Allele origin: germline.
Comment: This sequence change replaces serine, which is neutral and polar, with cysteine, which is neutral and slightly polar, at codon 174 of the EGLN1 protein (p.Ser174Cys). This variant is not present in population databases (gnomAD no frequency). This variant has not been reported in the literature in individuals affected with EGLN1-related conditions. Algorithms developed to predict the effect of missense changes on protein structure and function are either unavailable or do not agree on the potential impact of this missense change (SIFT: "Deleterious"; PolyPhen-2: "Possibly Damaging"; Align-GVGD: "Class C0"). In summary, the available evidence is currently insufficient to determine the role of this variant in disease. Therefore, it has been classified as a Variant of Uncertain Significance.